The following is an entry in ClinVar:

NM_006031.6(PCNT):c.87T>C (p.Gly29=)

Genes: PCNT (pericentrin; plus strand), LOC128092249 (uncharacterized LOC128092249; plus strand). Cytogenetic location: 21q22.3.
Variant type: single nucleotide variant.
Coding change: c.87T>C on transcript NM_006031.6 (MANE Select); coding-DNA position 87, T replaced by C.
Protein change: p.Gly29=; no amino-acid change (glycine 29 retained).
Molecular consequence: synonymous variant. On other transcripts: missense variant (1), 5 prime UTR variant (1).
Genome position (GRCh38, 1-based): chr21:46,326,409, T>C. VCF-style: chr21-46326409-T-C. GRCh37 (hg19) VCF-style: chr21-47746323-T-C.
Other names: c.122T>C, p.Val41Ala (NM_001414902.1); c.-268T>C (NM_001315529.2); short protein forms V41A.
Identifiers: ClinVar variation 3353417 (VCV003353417.1).
Genomic context (GRCh38, chr21:46,326,409, plus strand): 5'-TTTACTACTTATCTACATTTTTGCGCAGCTTGCTCACTTCCGACAGAGAAAAACAAAAGG[T>C]GACAGTTCGCATTCGGAGAAAAAGACGGCGAAGAGGAAGGGCTCGGCTGTCGATGCGTCT-3'
Protein context (NP_006022.3, residues 19-39): LAHFRQRKTK[Gly29=]DSSHSEKKTA

ClinVar aggregate classification (germline): Likely benign (0 of 4 stars; one submission).

Conditions:
PCNT-related disorder. Also called: PCNT-related condition.

gnomAD v4.1: 1 of 1,614,222 alleles (0.000062%); highest among the groups gnomAD compares: Non-Finnish European, 0.000085%; no homozygotes.

Submission:

PreventionGenetics, part of Exact Sciences
Classification: Likely benign for PCNT-related condition. Last evaluated: 2022-04-19. Review status: no assertion criteria provided. Collection method: clinical testing. Allele origin: germline.
Comment: This variant is classified as likely benign based on ACMG/AMP sequence variant interpretation guidelines (Richards et al. 2015 PMID: 25741868, with internal and published modifications).